The following is an entry in ClinVar:

NM_007194.4(CHEK2):c.1503G>A (p.Glu501=)

Gene: CHEK2 (checkpoint kinase 2; minus strand). Cytogenetic location: 22q12.1.
Variant type: single nucleotide variant.
Coding change: c.1503G>A on transcript NM_007194.4 (MANE Select); coding-DNA position 1503, G replaced by A.
Protein change: p.Glu501=; no amino-acid change (glutamic acid 501 retained).
Molecular consequence: synonymous variant.
Genome position (GRCh38, 1-based): chr22:28,689,174, C>T on the plus strand (G>A on the coding strand, the complement: CHEK2 is on the minus strand). VCF-style: chr22-28689174-C-T. GRCh37 (hg19) VCF-style: chr22-29085162-C-T.
Other names: c.1632G>A, p.Glu544= (NM_001005735.3); c.840G>A, p.Glu280= (NM_001257387.3); c.1302G>A, p.Glu434= (NM_001349956.3); c.1416G>A, p.Glu472= (NM_145862.3).
Identifiers: ClinVar variation 410066 (VCV000410066.55), dbSNP rs1060502721, ClinGen allele CA16616568.

ClinVar aggregate classification (germline): Conflicting classifications of pathogenicity. Review status: criteria provided, conflicting classifications (1 of 4 stars). 5 submissions from 5 submitters: Uncertain significance (1); Benign (1); Likely benign (3). Last evaluated 2025-08-29.

Conditions:
Hereditary cancer-predisposing syndrome. Also called: Tumor predisposition; Hereditary neoplastic syndrome; Hereditary Cancer Syndrome; Neoplastic Syndromes, Hereditary. Identifiers: Orphanet 140162, MedGen C0027672, MeSH D009386, MONDO:0015356.
Familial cancer of breast. Also called: hereditary breast carcinoma; BREAST CANCER, FAMILIAL; Hereditary breast cancer. Identifiers: Orphanet 227535, MedGen C0346153, MONDO:0016419, OMIM 114480. Disease mechanism: loss of function.

gnomAD v4.1: 2 of 1,595,278 alleles (0.00013%); highest among the groups gnomAD compares: Non-Finnish European, 0.00017%; no homozygotes.

Submissions (5):

Labcorp Genetics (formerly Invitae), Labcorp
Classification: Likely benign for Familial cancer of breast. Last evaluated: 2025-08-29. Review status: criteria provided, single submitter. Criteria: Invitae Variant Classification Sherloc (09022015). Collection method: clinical testing. Allele origin: germline.

Myriad Genetics, Inc.
Classification: Benign for Familial cancer of breast. Last evaluated: 2024-10-08. Review status: criteria provided, single submitter. Criteria: Myriad Autosomal Dominant, Autosomal Recessive and X-Linked Classification Criteria (2023). Collection method: clinical testing. Allele origin: unknown.
Comment: This variant is considered benign. This variant is a silent/synonymous amino acid change and it is not expected to impact splicing.

Ambry Genetics
Classification: Likely benign for Hereditary cancer-predisposing syndrome. Last evaluated: 2023-02-02. Review status: criteria provided, single submitter. Criteria: Ambry Variant Classification Scheme 2023. Collection method: clinical testing. Allele origin: germline.

CeGaT Center for Human Genetics Tuebingen
Classification: Uncertain significance. Last evaluated: 2018-12-01. Review status: criteria provided, single submitter. Criteria: CeGaT Center For Human Genetics Tuebingen Variant Classification Criteria Version 2. Collection method: clinical testing. Allele origin: germline. Affected: yes. Observed: 1 variant allele.

Color Diagnostics, LLC DBA Color Health
Classification: Likely benign for Hereditary cancer-predisposing syndrome. Last evaluated: 2017-07-21. Review status: criteria provided, single submitter. Criteria: ACMG Guidelines, 2015. Collection method: clinical testing. Allele origin: germline.